The following is an entry in ClinVar:

NM_000814.6(GABRB3):c.61G>T (p.Val21Leu)

Gene: GABRB3 (gamma-aminobutyric acid type A receptor subunit beta3; minus strand). Cytogenetic location: 15q12.
Variant type: single nucleotide variant.
Coding change: c.61G>T on transcript NM_000814.6 (MANE Select); coding-DNA position 61, G replaced by T.
Protein change: p.Val21Leu; replaces valine 21 with leucine.
Molecular consequence: missense variant. On other transcripts: 5 prime UTR variant (1), intron variant (1).
Genome position (GRCh38, 1-based): chr15:26,772,902, C>A on the plus strand (G>T on the coding strand, the complement: GABRB3 is on the minus strand). VCF-style: chr15-26772902-C-A. GRCh37 (hg19) VCF-style: chr15-27018049-C-A.
Other names: c.-291G>T (NM_001278631.2); c.81-130G>T (NM_021912.5); short protein forms V21L.
Identifiers: ClinVar variation 3852464 (VCV003852464.2).

ClinVar aggregate classification (germline): Uncertain significance. Review status: criteria provided, multiple submitters, no conflicts (2 of 4 stars). 2 submissions from 2 submitters: Uncertain significance (2). Last evaluated 2025-10-31.

Conditions:
Epilepsy, childhood absence, susceptibility to, 5. Identifiers: Orphanet 64280, MedGen C2677087, MONDO:0012843, OMIM 612269.
Epilepsy, childhood absence, susceptibility to, 1. Also called: Epilepsy, childhood absence 1. Identifiers: Orphanet 64280, MedGen C1838604, MONDO:0020759, OMIM 600131.
Inborn genetic diseases. Identifiers: MedGen C0950123, MeSH D030342.

Submissions (2):

Labcorp Genetics (formerly Invitae), Labcorp
Classification: Uncertain significance for Epilepsy, childhood absence, susceptibility to, 5; Epilepsy, childhood absence, susceptibility to, 1. Last evaluated: 2025-10-31. Review status: criteria provided, single submitter. Criteria: Invitae Variant Classification Sherloc (09022015). Collection method: clinical testing. Allele origin: germline.
Comment: This sequence change replaces valine, which is neutral and non-polar, with leucine, which is neutral and non-polar, at codon 21 of the GABRB3 protein (p.Val21Leu). This variant is not present in population databases (gnomAD no frequency). This variant has not been reported in the literature in individuals affected with GABRB3-related conditions. ClinVar contains an entry for this variant (Variation ID: 3852464). Invitae Evidence Modeling of protein sequence and biophysical properties (such as structural, functional, and spatial information, amino acid conservation, physicochemical variation, residue mobility, and thermodynamic stability) indicates that this missense variant is not expected to disrupt GABRB3 protein function with a negative predictive value of 95%. In summary, the available evidence is currently insufficient to determine the role of this variant in disease. Therefore, it has been classified as a Variant of Uncertain Significance.

Ambry Genetics
Classification: Uncertain significance for Inborn genetic diseases. Last evaluated: 2024-12-12. Review status: criteria provided, single submitter. Criteria: Ambry Variant Classification Scheme 2023. Collection method: clinical testing. Allele origin: germline.